The following is an entry in ClinVar:

NM_000152.5(GAA):c.1380G>C (p.Glu460Asp)

Gene: GAA (alpha glucosidase; plus strand). Cytogenetic location: 17q25.3.
Variant type: single nucleotide variant.
Coding change: c.1380G>C on transcript NM_000152.5 (MANE Select); coding-DNA position 1380, G replaced by C.
Protein change: p.Glu460Asp; replaces glutamic acid 460 with aspartic acid.
Molecular consequence: missense variant.
Genome position (GRCh38, 1-based): chr17:80,109,998, G>C. VCF-style: chr17-80109998-G-C. GRCh37 (hg19) VCF-style: chr17-78083797-G-C.
Other names: c.1380G>C, p.Glu460Asp (NM_001079803.3, NM_001079804.3, NM_001406741.1 and 1 more transcripts); short protein forms E460D.
Identifiers: ClinVar variation 2145458 (VCV002145458.1), dbSNP rs1024328155, ClinGen allele CA294894004.

ClinVar aggregate classification (germline): Uncertain significance (1 of 4 stars; one submission).

Conditions:
Glycogen storage disease, type II (IOPD). Also called: ACID ALPHA-GLUCOSIDASE DEFICIENCY, INFANTILE-ONSET; GAA DEFICIENCY, INFANTILE-ONSET; ACID MALTASE DEFICIENCY, INFANTILE-ONSET; POMPE DISEASE, INFANTILE-ONSET; GLYCOGEN STORAGE DISEASE II, INFANTILE-ONSET; Glucosidase acid-1,4-alpha deficiency. Identifiers: Orphanet 365, MedGen C0017921, MONDO:0009290, OMIM 232300.

Allele frequency attached by ClinVar (database versions not stated): TOPMed 0.00001.

Submission:

Labcorp Genetics (formerly Invitae), Labcorp
Classification: Uncertain significance for Glycogen storage disease, type II. Last evaluated: 2022-08-16. Review status: criteria provided, single submitter. Criteria: Invitae Variant Classification Sherloc (09022015). Collection method: clinical testing. Allele origin: germline.
Comment: This sequence change replaces glutamic acid, which is acidic and polar, with aspartic acid, which is acidic and polar, at codon 460 of the GAA protein (p.Glu460Asp). This variant is not present in population databases (gnomAD no frequency). This variant has not been reported in the literature in individuals affected with GAA-related conditions. Advanced modeling of protein sequence and biophysical properties (such as structural, functional, and spatial information, amino acid conservation, physicochemical variation, residue mobility, and thermodynamic stability) performed at Invitae indicates that this missense variant is not expected to disrupt GAA protein function. In summary, the available evidence is currently insufficient to determine the role of this variant in disease. Therefore, it has been classified as a Variant of Uncertain Significance.